The following is an entry in ClinVar:

ClinVar aggregate classification (germline): Conflicting classifications of pathogenicity. Review status: criteria provided, conflicting classifications (1 of 4 stars). 4 submissions from 4 submitters: Likely pathogenic (2); Uncertain significance (1). 1 of the submissions does not count toward it. Last evaluated 2024-02-23.

Conditions:
PCDH15-related disorder. Also called: PCDH15-related condition; PCDH15-related disorders.
Usher syndrome type 1F (USH1F). Also called: USHER SYNDROME, TYPE IF. Identifiers: Orphanet 231169, Orphanet 886, MedGen C1865885, MONDO:0011186, OMIM 602083.

Allele frequency attached by ClinVar (database versions not stated): gnomAD exomes 0.00001 and 0.00004; TOPMed below 0.00001; gnomAD 0.00001; ExAC 0.00009.
gnomAD v4.1: 18 of 1,552,912 alleles (0.0012%); highest among the groups gnomAD compares: Non-Finnish European, 0.0011%; no homozygotes.

Submissions (4):

Labcorp Genetics (formerly Invitae), Labcorp
Classification: Likely pathogenic. Last evaluated: 2024-02-23. Review status: criteria provided, single submitter. Criteria: Invitae Variant Classification Sherloc (09022015). Collection method: clinical testing. Allele origin: germline.
Comment: This sequence change affects a donor splice site in intron 31 of the PCDH15 gene. It is expected to disrupt RNA splicing. Variants that disrupt the donor or acceptor splice site typically lead to a loss of protein function (PMID: 16199547), and loss-of-function variants in PCDH15 are known to be pathogenic (PMID: 11398101, 11487575, 14570705). This variant is present in population databases (rs753832779, gnomAD 0.009%). This variant has not been reported in the literature in individuals affected with PCDH15-related conditions. ClinVar contains an entry for this variant (Variation ID: 552486). Algorithms developed to predict the effect of sequence changes on RNA splicing suggest that this variant may disrupt the consensus splice site. In summary, the currently available evidence indicates that the variant is pathogenic, but additional data are needed to prove that conclusively. Therefore, this variant has been classified as Likely Pathogenic.

Blueprint Genetics
Classification: Likely pathogenic for PCDH15-related disorders. Last evaluated: 2023-04-13. Review status: criteria provided, single submitter. Criteria: ACMG Guidelines, 2015. Collection method: clinical testing. Allele origin: germline. Affected: yes. Observed: 2 variant alleles.

Broad Center for Mendelian Genomics, Broad Institute of MIT and Harvard
Classification: Uncertain significance for Usher syndrome type 1F. Last evaluated: 2023-01-24. Review status: criteria provided, single submitter. Criteria: ACMG Guidelines, 2015. Collection method: curation. Allele origin: germline. Inheritance: Autosomal recessive inheritance.
Comment: The c.4211+2T>G variant in PCDH15 has not been previously reported in the literature in individuals with Usher syndrome type 1F but has been identified in 0.009% (2/21636) of European (Finnish) chromosomes by the Genome Aggregation Database (gnomAD; dbSNP ID: rs753832779). Although this variant has been seen in the general population in a heterozygous state, its frequency is low enough to be consistent with a recessive carrier frequency. This variant has also been reported in ClinVar (Variation ID#: 552486) and has been interpreted as likely pathogenic by Invitae and Counsyl. This variant is located in the 3' splice region. Computational tools predict a splicing impact, though this information is not predictive enough to determine pathogenicity. This variant is adjacent to an in-frame exon that is 3 amino acids long, and is more likely to escape nonsense mediated decay (NMD) and result in a truncated protein. Furthermore, spliceAI predicts exon skipping of the adjacent exon with a high score. In summary, the clinical significance of the c.4211+2T>G variant is uncertain. ACMG/AMP Criteria applied: PM2_supporting, PVS1_moderate (Richards 2015).

Counsyl
Classification: Likely pathogenic for Usher syndrome type 1F. Last evaluated: 2017-06-13. Review status: no assertion criteria provided. Collection method: clinical testing. Allele origin: unknown. Not counted in ClinVar's aggregate classification.

Literature cited by the submitters: PubMed 16199547 (cited by Labcorp Genetics (formerly Invitae), Labcorp); PubMed 11398101 (cited by Labcorp Genetics (formerly Invitae), Labcorp); PubMed 11487575 (cited by Labcorp Genetics (formerly Invitae), Labcorp); PubMed 14570705 (cited by Labcorp Genetics (formerly Invitae), Labcorp).

NM_001384140.1(PCDH15):c.4211+2T>G

Gene: PCDH15 (protocadherin related 15; minus strand). Cytogenetic location: 10q21.1.
Variant type: single nucleotide variant.
Coding change: c.4211+2T>G on transcript NM_001384140.1 (MANE Select); the canonical splice donor site of the intron after coding-DNA position 4211, T replaced by G.
Molecular consequence: splice donor variant. On other transcripts: intron variant (3).
Genome position (GRCh38, 1-based): chr10:53,828,563, A>C on the plus strand (T>G on the coding strand, the complement: PCDH15 is on the minus strand). VCF-style: chr10-53828563-A-C. GRCh37 (hg19) VCF-style: chr10-55588323-A-C.
Other names: c.4211+2T>G (NM_001142772.2, NM_001142770.3, NM_033056.4 and 3 more transcripts); c.4226+2T>G (NM_001142771.2, NM_001142763.2); c.4232+2T>G (NM_001354411.2); c.4247+2T>G (NM_001142769.3); c.4145+2T>G (NM_001354404.2, NM_001142768.2); c.4137-1015T>G (NM_001142773.2); c.4092-1015T>G (NM_001142767.2); c.3998+2T>G (NM_001142765.2); and 1 more.
Identifiers: ClinVar variation 552486 (VCV000552486.12), dbSNP rs753832779, ClinGen allele CA5505417.
Genomic context (GRCh38, chr10:53,828,563, plus strand): 5'-AATCTCGGGTTTCTCTTTTCCTATTACATGAAAAGGATGTGTAAAATGTTAATTATACTT[A>C]CACTTTAAACCTGTTTGGGAAAGCAAGAGTAAGAAAAATAGAAAGCTACATTAGAACTAT-3'